The following is an entry in ClinVar:

ClinVar aggregate classification (germline): Benign/Likely benign. Review status: criteria provided, multiple submitters, no conflicts (2 of 4 stars). 2 submissions from 2 submitters: Benign (1); Likely benign (1). Last evaluated 2025-09-08.

Conditions:
ROBO1-related disorder. Also called: ROBO1-related condition.

Allele frequency attached by ClinVar (database versions not stated): TOPMed 0.00005; gnomAD 0.00015; gnomAD exomes 0.00020; 1000 Genomes Project 30x 0.00047; ExAC 0.00047; 1000 Genomes Project 0.00060.
gnomAD v4.1: 326 of 1,613,466 alleles (0.02%); highest among the groups gnomAD compares: South Asian, 0.27%; 6 homozygotes.

Submissions (2):

Labcorp Genetics (formerly Invitae), Labcorp
Classification: Benign. Last evaluated: 2025-09-08. Review status: criteria provided, single submitter. Criteria: Invitae Variant Classification Sherloc (09022015). Collection method: clinical testing. Allele origin: germline.

PreventionGenetics, part of Exact Sciences
Classification: Likely benign for ROBO1-related condition. Last evaluated: 2025-03-13. Review status: criteria provided, single submitter. Criteria: ACMG Guidelines, 2015. Collection method: clinical testing. Allele origin: germline.
Comment: This variant is classified as likely benign based on ACMG/AMP sequence variant interpretation guidelines (Richards et al. 2015 PMID: 25741868, with internal and published modifications).

NM_002941.4(ROBO1):c.2154C>T (p.His718=)

Gene: ROBO1 (roundabout guidance receptor 1; minus strand). Cytogenetic location: 3p12.3.
Variant type: single nucleotide variant.
Coding change: c.2154C>T on transcript NM_002941.4 (MANE Select); coding-DNA position 2154, C replaced by T.
Protein change: p.His718=; no amino-acid change (histidine 718 retained).
Molecular consequence: synonymous variant.
Genome position (GRCh38, 1-based): chr3:78,661,196, G>A on the plus strand (C>T on the coding strand, the complement: ROBO1 is on the minus strand). VCF-style: chr3-78661196-G-A. GRCh37 (hg19) VCF-style: chr3-78710346-G-A.
Other names: c.2154C>T (NM_002941.3); c.2046C>T, p.His682= (NM_001145844.1, NM_001145845.2, NM_133631.4).
Identifiers: ClinVar variation 2045746 (VCV002045746.5), dbSNP rs370661806, ClinGen allele CA2498751.